The following is an entry in ClinVar:

ClinVar aggregate classification (germline): Benign. Review status: criteria provided, single submitter (1 of 4 stars). 2 submissions from 2 submitters: Benign (1). 1 of the submissions does not count toward it. Last evaluated 2024-09-10.

Conditions:
GANAB-related disorder. Also called: GANAB-related condition.

Allele frequency attached by ClinVar (database versions not stated): 1000 Genomes Project 30x 0.00141; gnomAD exomes 0.00037; 1000 Genomes Project 0.00160; TOPMed 0.00007; ExAC 0.00080; gnomAD 0.00023.

Submissions (2):

Labcorp Genetics (formerly Invitae), Labcorp
Classification: Benign. Last evaluated: 2024-09-10. Review status: criteria provided, single submitter. Criteria: Invitae Variant Classification Sherloc (09022015). Collection method: clinical testing. Allele origin: germline.

PreventionGenetics, part of Exact Sciences
Classification: Benign for GANAB-related condition. Last evaluated: 2019-03-05. Review status: no assertion criteria provided. Collection method: clinical testing. Allele origin: germline. Not counted in ClinVar's aggregate classification.
Comment: This variant is classified as benign based on ACMG/AMP sequence variant interpretation guidelines (Richards et al. 2015 PMID: 25741868, with internal and published modifications).

NM_198334.3(GANAB):c.47C>T (p.Ala16Val)

Gene: GANAB (glucosidase II alpha subunit; minus strand). Cytogenetic location: 11q12.3.
Variant type: single nucleotide variant.
Coding change: c.47C>T on transcript NM_198334.3 (MANE Select); coding-DNA position 47, C replaced by T.
Protein change: p.Ala16Val; replaces alanine 16 with valine.
Molecular consequence: missense variant. On other transcripts: 5 prime UTR variant (5), intron variant (2).
Genome position (GRCh38, 1-based): chr11:62,639,723, G>A on the plus strand (C>T on the coding strand, the complement: GANAB is on the minus strand). VCF-style: chr11-62639723-G-A. GRCh37 (hg19) VCF-style: chr11-62407195-G-A.
Other names: c.-136C>T (NM_001278194.2); c.-245C>T (NM_001329222.2); c.-241C>T (NM_001329223.2); c.-730C>T (NM_001329224.2, NM_001329225.2); c.47C>T, p.Ala16Val (NM_198335.4); c.39-4723C>T (NM_001278193.2, NM_001278192.2); c.47C>T (NM_198335.3); short protein forms A16V.
Identifiers: ClinVar variation 2044169 (VCV002044169.6), dbSNP rs201629625, ClinGen allele CA6051233.